The following is an entry in ClinVar:

ClinVar aggregate classification (germline): Pathogenic (0 of 4 stars; one submission).

Conditions:
Childhood apraxia of speech (SPCH1). Also called: Speech language disorder; DEVELOPMENTAL VERBAL DYSPRAXIA; SPEECH AND LANGUAGE DISORDER WITH OROFACIAL DYSPRAXIA; FOXP2-Related Speech and Language Disorder. Identifiers: Orphanet 209908, MedGen C0750927, MONDO:0011184, OMIM 602081.

Submission:

GeneReviews
Classification: Pathogenic for Childhood apraxia of speech. Last evaluated: 2016-03-02. Review status: no assertion criteria provided. Collection method: literature only. Allele origin: germline. Affected: yes. Observed: 1 variant allele.
Comment: Speech: Severe dyspraxia Language: Language delay

Literature cited by the submitters: PubMed 17033973.

NC_000007.12:g.112946520_114520576del

Gene: FOXP2 (forkhead box P2; plus strand). Cytogenetic location: 7q31.1-31.2.
Variant type: Deletion.
Identifiers: ClinVar variation 242965 (VCV000242965.1).